The following is an entry in ClinVar:

ClinVar aggregate classification (germline): Uncertain significance (1 of 4 stars; one submission).

Conditions:
Wilson disease (WND). Also called: Wilson's disease. Identifiers: Orphanet 905, MedGen C0019202, MONDO:0010200, OMIM 277900. Disease mechanism: loss of function.

Allele frequency attached by ClinVar (database versions not stated): gnomAD 0.00001; TOPMed 0.00001.
gnomAD v4.1: 24 of 1,614,120 alleles (0.0015%); highest among the groups gnomAD compares: Non-Finnish European, 0.002%; no homozygotes.

Submission:

Labcorp Genetics (formerly Invitae), Labcorp
Classification: Uncertain significance for Wilson disease. Last evaluated: 2022-06-22. Review status: criteria provided, single submitter. Criteria: Invitae Variant Classification Sherloc (09022015). Collection method: clinical testing. Allele origin: germline.
Comment: This sequence change replaces isoleucine, which is neutral and non-polar, with valine, which is neutral and non-polar, at codon 8 of the ATP7B protein (p.Ile8Val). This variant is present in population databases (no rsID available, gnomAD 0.007%). This variant has not been reported in the literature in individuals affected with ATP7B-related conditions. Advanced modeling of protein sequence and biophysical properties (such as structural, functional, and spatial information, amino acid conservation, physicochemical variation, residue mobility, and thermodynamic stability) performed at Invitae indicates that this missense variant is not expected to disrupt ATP7B protein function. Algorithms developed to predict the effect of sequence changes on RNA splicing suggest that this variant may create or strengthen a splice site. In summary, the available evidence is currently insufficient to determine the role of this variant in disease. Therefore, it has been classified as a Variant of Uncertain Significance.

NM_000053.4(ATP7B):c.22A>G (p.Ile8Val)

Gene: ATP7B (ATPase copper transporting beta; minus strand). Cytogenetic location: 13q14.3.
Variant type: single nucleotide variant.
Coding change: c.22A>G on transcript NM_000053.4 (MANE Select); coding-DNA position 22, A replaced by G.
Protein change: p.Ile8Val; replaces isoleucine 8 with valine.
Molecular consequence: missense variant.
Genome position (GRCh38, 1-based): chr13:52,011,316, T>C on the plus strand (A>G on the coding strand, the complement: ATP7B is on the minus strand). VCF-style: chr13-52011316-T-C. GRCh37 (hg19) VCF-style: chr13-52585452-T-C.
Other names: c.22A>G, p.Ile8Val (NM_001005918.3, NM_001243182.2, NM_001330578.2 and 30 more transcripts); c.-166A>G (NM_001406518.1); c.-108A>G (NM_001406539.1, NM_001406543.1); short protein forms I8V.
Identifiers: ClinVar variation 1986709 (VCV001986709.1), dbSNP rs1322672752, ClinGen allele CA388047656.